The following is an entry in ClinVar:

ClinVar aggregate classification (germline): Uncertain significance (1 of 4 stars; one submission).

Submission:

Labcorp Genetics (formerly Invitae), Labcorp
Classification: Uncertain significance. Last evaluated: 2025-01-06. Review status: criteria provided, single submitter. Criteria: Invitae Variant Classification Sherloc (09022015). Collection method: clinical testing. Allele origin: germline.
Comment: This sequence change replaces asparagine, which is neutral and polar, with aspartic acid, which is acidic and polar, at codon 411 of the TULP1 protein (p.Asn411Asp). This variant is not present in population databases (gnomAD no frequency). This variant has not been reported in the literature in individuals affected with TULP1-related conditions. ClinVar contains an entry for this variant (Variation ID: 1401660). Invitae Evidence Modeling of protein sequence and biophysical properties (such as structural, functional, and spatial information, amino acid conservation, physicochemical variation, residue mobility, and thermodynamic stability) indicates that this missense variant is expected to disrupt TULP1 protein function with a positive predictive value of 95%. In summary, the available evidence is currently insufficient to determine the role of this variant in disease. Therefore, it has been classified as a Variant of Uncertain Significance.

NM_003322.6(TULP1):c.1231A>G (p.Asn411Asp)

Gene: TULP1 (TUB like protein 1; minus strand). Cytogenetic location: 6p21.31.
Variant type: single nucleotide variant.
Coding change: c.1231A>G on transcript NM_003322.6 (MANE Select); coding-DNA position 1231, A replaced by G.
Protein change: p.Asn411Asp; replaces asparagine 411 with aspartic acid.
Molecular consequence: missense variant.
Genome position (GRCh38, 1-based): chr6:35,503,651, T>C on the plus strand (A>G on the coding strand, the complement: TULP1 is on the minus strand). VCF-style: chr6-35503651-T-C. GRCh37 (hg19) VCF-style: chr6-35471428-T-C.
Other names: c.1072A>G, p.Asn358Asp (NM_001289395.2); short protein forms N358D, N411D.
Identifiers: ClinVar variation 1401660 (VCV001401660.6), dbSNP rs2150924178, ClinGen allele CA363779212.